The following is an entry in ClinVar:

ClinVar aggregate classification (germline): Conflicting classifications of pathogenicity. Review status: criteria provided, conflicting classifications (1 of 4 stars). 4 submissions from 4 submitters: Uncertain significance (1); Likely benign (2). 1 of the submissions does not count toward it. Last evaluated 2025-08-31.

Conditions:
NEK1-related disorder. Also called: NEK1-related condition.
Short-rib thoracic dysplasia 6 with or without polydactyly (SRTD6). Also called: SHORT RIB-POLYDACTYLY SYNDROME, TYPE IIA; POLYDACTYLY WITH NEONATAL CHONDRODYSTROPHY, TYPE II; Majewski Syndrome; SHORT-RIB THORACIC DYSPLASIA 6 WITH POLYDACTYLY; SHORT-RIB THORACIC DYSPLASIA 6 WITHOUT POLYDACTYLY. Identifiers: MedGen C0024507, MONDO:0009894, OMIM 263520.

Allele frequency attached by ClinVar (database versions not stated): gnomAD exomes 0.00017 and 0.00046; ExAC 0.00019; ESP Exome Variant Server 0.00034; gnomAD 0.00042 and 0.00044; TOPMed 0.00048; 1000 Genomes Project 0.00080; 1000 Genomes Project 30x 0.00094.
gnomAD v4.1: 720 of 1,610,152 alleles (0.045%); highest among the groups gnomAD compares: African/African-American, 0.084%; no homozygotes.

Submissions (4):

Labcorp Genetics (formerly Invitae), Labcorp
Classification: Likely benign for Short-rib thoracic dysplasia 6 with or without polydactyly. Last evaluated: 2025-08-31. Review status: criteria provided, single submitter. Criteria: Invitae Variant Classification Sherloc (09022015). Collection method: clinical testing. Allele origin: germline.

ARUP Laboratories, Molecular Genetics and Genomics, ARUP Laboratories
Classification: Uncertain significance. Last evaluated: 2023-05-02. Review status: criteria provided, single submitter. Criteria: ARUP Molecular Germline Variant Investigation Process 2024. Collection method: clinical testing. Allele origin: germline.
Comment: The NEK1 c.3193A>G; p.Thr1065Ala variant (rs371084271), to our knowledge, is not reported in the medical literature but is reported in ClinVar (Variation ID: 1138974). This variant is found in the African population with an allele frequency of 0.1% (25/24196 alleles) in the Genome Aggregation Database. Computational analyses are uncertain whether this variant is neutral or deleterious (REVEL: 0.309). While the high population frequency suggests that this is likely a benign variant, given the lack of clinical and functional data, the significance of this variant is uncertain at this time.

GeneDx
Classification: Likely benign. Last evaluated: 2019-05-08. Review status: criteria provided, single submitter. Criteria: GeneDx Variant Classification Process June 2021. Collection method: clinical testing. Allele origin: germline. Affected: yes.

PreventionGenetics, part of Exact Sciences
Classification: Likely benign for NEK1-related condition. Last evaluated: 2023-09-27. Review status: no assertion criteria provided. Collection method: clinical testing. Allele origin: germline. Not counted in ClinVar's aggregate classification.
Comment: This variant is classified as likely benign based on ACMG/AMP sequence variant interpretation guidelines (Richards et al. 2015 PMID: 25741868, with internal and published modifications).

NM_001199397.3(NEK1):c.3193A>G (p.Thr1065Ala)

Gene: NEK1 (NIMA related kinase 1; minus strand). Cytogenetic location: 4q33.
Variant type: single nucleotide variant.
Coding change: c.3193A>G on transcript NM_001199397.3 (MANE Select); coding-DNA position 3193, A replaced by G.
Protein change: p.Thr1065Ala; replaces threonine 1065 with alanine.
Molecular consequence: missense variant. On other transcripts: non-coding transcript variant (1).
Genome position (GRCh38, 1-based): chr4:169,424,582, T>C on the plus strand (A>G on the coding strand, the complement: NEK1 is on the minus strand). VCF-style: chr4-169424582-T-C. GRCh37 (hg19) VCF-style: chr4-170345733-T-C.
Other names: c.3061A>G, p.Thr1021Ala (NM_001199398.3); c.2902A>G, p.Thr968Ala (NM_001199399.3); c.2977A>G, p.Thr993Ala (NM_001199400.3); c.3193A>G, p.Thr1065Ala (NM_001374418.1); c.3109A>G, p.Thr1037Ala (NM_001374419.1, NM_012224.4); c.3058A>G, p.Thr1020Ala (NM_001374420.1); c.2710A>G, p.Thr904Ala (NM_001374421.1); short protein forms T1020A, T1021A, T1037A, T1065A, T904A, T968A, T993A.
Identifiers: ClinVar variation 1138974 (VCV001138974.15), dbSNP rs371084271, ClinGen allele CA3137222.
Genomic context (GRCh38, chr4:169,424,582, plus strand): 5'-ATAATATTTTCCACTTGAGGACCATACTTGCCTTTGGGTTGTTTGCATCAAACAGACCAG[T>C]TGAAAGTCCAATCAGCAAGGAATTCTTGTTTTTATTTTTTGGTGGTAAATGCGAGTGAGA-3'
Protein context (NP_001186326.1, residues 1055-1075): NKNSLLIGLS[Thr1065Ala]GLFDANNPKM